The following is an entry in ClinVar:

NM_001367561.1(DOCK7):c.4255G>A (p.Gly1419Ser)

Gene: DOCK7 (dedicator of cytokinesis 7; minus strand). Cytogenetic location: 1p31.3.
Variant type: single nucleotide variant.
Coding change: c.4255G>A on transcript NM_001367561.1 (MANE Select); coding-DNA position 4255, G replaced by A.
Protein change: p.Gly1419Ser; replaces glycine 1419 with serine.
Molecular consequence: missense variant.
Genome position (GRCh38, 1-based): chr1:62,513,471, C>T on the plus strand (G>A on the coding strand, the complement: DOCK7 is on the minus strand). VCF-style: chr1-62513471-C-T. GRCh37 (hg19) VCF-style: chr1-62979142-C-T.
Other names: c.4255G>A, p.Glu1419Lys (NM_001271999.2, NM_001330614.2); c.4162G>A, p.Glu1388Lys (NM_001272000.2, NM_001272001.2); c.4162G>A, p.Gly1388Ser (NM_033407.4); short protein forms E1419K, G1388S, G1419S, E1388K.
Identifiers: ClinVar variation 475146 (VCV000475146.7), dbSNP rs372936902, ClinGen allele CA885766.
Genomic context (GRCh38, chr1:62,513,471, plus strand): 5'-TATACAACTCAAGGAAATTGAAGAAATTCTCACCAGGAGGAGAAGCTATTGTGTACGTAC[C>T]GAGCTGTCCTCGGCTTCGCCGTACCATTTCTTGCCTGGCACCTATGCTCCCAAGAATAGC-3'
Protein context (NP_001354490.1, residues 1409-1429): EMVRRSRGQL[Gly1419Ser]TYTIASPPER

ClinVar aggregate classification (germline): Uncertain significance (1 of 4 stars; one submission).

Conditions:
Developmental and epileptic encephalopathy, 23 (DEE23). Also called: Epileptic encephalopathy, early infantile, 23. Identifiers: Orphanet 411986, MedGen C4014492, MONDO:0014371, OMIM 615859.

Allele frequency attached by ClinVar (database versions not stated): ExAC 0.00001; gnomAD 0.00001; TOPMed 0.00001; gnomAD exomes 0.00002; ESP Exome Variant Server 0.00008.
gnomAD v4.1: 14 of 1,611,946 alleles (0.00087%); highest among the groups gnomAD compares: East Asian, 0.0067%; no homozygotes.

Submissions (2):

Labcorp Genetics (formerly Invitae), Labcorp
Classification: Uncertain significance for Developmental and epileptic encephalopathy, 23. Last evaluated: 2022-08-17. Review status: criteria provided, single submitter. Criteria: Invitae Variant Classification Sherloc (09022015). Collection method: clinical testing. Allele origin: germline.
Comment: This sequence change replaces glutamic acid, which is acidic and polar, with lysine, which is basic and polar, at codon 1419 of the DOCK7 protein (p.Glu1419Lys). This variant also falls at the last nucleotide of exon 33, which is part of the consensus splice site for this exon. This variant is present in population databases (rs372936902, gnomAD 0.02%). This variant has not been reported in the literature in individuals affected with DOCK7-related conditions. ClinVar contains an entry for this variant (Variation ID: 475146). Algorithms developed to predict the effect of missense changes on protein structure and function are either unavailable or do not agree on the potential impact of this missense change (SIFT: "Deleterious"; PolyPhen-2: "Benign"; Align-GVGD: "Class C0"). Variants that disrupt the consensus splice site are a relatively common cause of aberrant splicing (PMID: 17576681, 9536098). Algorithms developed to predict the effect of sequence changes on RNA splicing suggest that this variant may create or strengthen a splice site. In summary, the available evidence is currently insufficient to determine the role of this variant in disease. Therefore, it has been classified as a Variant of Uncertain Significance.

Dr. Peter K. Rogan Lab, Western University
No classification provided (evidence only). Condition: Gastric cancer. Review status: no classification provided. Collection method: in vitro. Allele origin: not applicable. Functional consequence: retained intron. Not counted in ClinVar's aggregate classification.

Literature cited by the submitters: PubMed 17576681 (cited by Labcorp Genetics (formerly Invitae), Labcorp); PubMed 9536098 (cited by Labcorp Genetics (formerly Invitae), Labcorp).